The following is an entry in ClinVar:

ClinVar aggregate classification (germline): Benign (1 of 4 stars; one submission).

Conditions:
Frank-Ter Haar syndrome. Also called: BORRONE DERMATOCARDIOSKELETAL SYNDROME; TER HAAR SYNDROME; MELNICK-NEEDLES SYNDROME, AUTOSOMAL RECESSIVE; Borrone di Rocco Crovato syndrome. Identifiers: Orphanet 1266, Orphanet 137834, MedGen C1855305, MONDO:0009579, OMIM 249420.

Allele frequency attached by ClinVar (database versions not stated): gnomAD 0.51487 and 0.52066; gnomAD exomes 0.51623; TOPMed 0.51816; 1000 Genomes Project 30x 0.54653; 1000 Genomes Project 0.54932.
gnomAD v4.1: 510,469 of 986,308 alleles (52%); highest among the groups gnomAD compares: South Asian, 72%; 132,876 homozygotes.

Submission:

Illumina Laboratory Services, Illumina
Classification: Benign for Frank-Ter Haar syndrome. Last evaluated: 2018-01-12. Review status: criteria provided, single submitter. Criteria: ICSL Variant Classification Criteria 13 December 2019. Collection method: clinical testing. Allele origin: germline.
Comment: This variant was observed in the ICSL laboratory as part of a predisposition screen in an ostensibly healthy population. It had not been previously curated by ICSL or reported in the Human Gene Mutation Database (HGMD: prior to June 1st, 2018), and was therefore a candidate for classification through an automated scoring system. Utilizing variant allele frequency, disease prevalence and penetrance estimates, and inheritance mode, an automated score was calculated to assess if this variant is too frequent to cause the disease. Based on the score and internal cut-off values, a variant classified as benign is not then subjected to further curation. The score for this variant resulted in a classification of benign for this disease.

NM_001017995.3(SH3PXD2B):c.*708G>A

Gene: SH3PXD2B (SH3 and PX domains 2B; minus strand). Cytogenetic location: 5q35.1.
Variant type: single nucleotide variant.
Coding change: c.*708G>A on transcript NM_001017995.3 (MANE Select); 708 bases downstream of the stop codon, G replaced by A.
Molecular consequence: 3 prime UTR variant. On other transcripts: intron variant (1).
Genome position (GRCh38, 1-based): chr5:172,337,661, C>T on the plus strand (G>A on the coding strand, the complement: SH3PXD2B is on the minus strand). VCF-style: chr5-172337661-C-T. GRCh37 (hg19) VCF-style: chr5-171764665-C-T.
Other names: c.1188+8475G>A (NM_001308175.2).
Identifiers: ClinVar variation 352786 (VCV000352786.5), dbSNP rs11134742, ClinGen allele CA10621303.